The following is an entry in ClinVar:

NM_001005242.3(PKP2):c.1378+2T>G

Gene: PKP2 (plakophilin 2; minus strand). Cytogenetic location: 12p11.21.
Variant type: single nucleotide variant.
Coding change: c.1378+2T>G on transcript NM_001005242.3 (MANE Select); the canonical splice donor site of the intron after coding-DNA position 1378, T replaced by G.
Molecular consequence: splice donor variant.
Genome position (GRCh38, 1-based): chr12:32,850,764, A>C on the plus strand (T>G on the coding strand, the complement: PKP2 is on the minus strand). VCF-style: chr12-32850764-A-C. GRCh37 (hg19) VCF-style: chr12-33003698-A-C.
Other names: c.1378+2T>G (NM_001407156.1, NM_001407155.1, NM_004572.4 and 2 more transcripts); c.1051+2T>G (NM_001407160.1, NM_001407159.1, NM_001407158.1 and 1 more transcripts).
Identifiers: ClinVar variation 5005098 (VCV005005098.2).

ClinVar aggregate classification (germline): Likely pathogenic (1 of 4 stars; one submission).

Conditions:
Arrhythmogenic right ventricular dysplasia 9 (ARVD9). Also called: ARRHYTHMOGENIC RIGHT VENTRICULAR DYSPLASIA, FAMILIAL, 9; Arrhythmogenic Right Ventricular Dysplasia/Cardiomyopathy 9. Identifiers: MedGen C1836906, MONDO:0012180, OMIM 609040.

Submission:

Juno Genomics, Hangzhou Juno Genomics, Inc
Classification: Likely pathogenic for Arrhythmogenic right ventricular dysplasia 9. Review status: criteria provided, single submitter. Criteria: ACMG Guidelines, 2015. Collection method: clinical testing. Allele origin: germline.
Comment: Null variant in a gene where loss of function (LOF) is a known mechanism of disease.;Absent from controls (or at extremely low frequency if recessive) in Genome Aggregation Database.